The following is an entry in ClinVar:

NM_006096.4(NDRG1):c.416C>G (p.Thr139Arg)

Gene: NDRG1 (N-myc downstream regulated 1; minus strand). Cytogenetic location: 8q24.22.
Variant type: single nucleotide variant.
Coding change: c.416C>G on transcript NM_006096.4 (MANE Select); coding-DNA position 416, C replaced by G.
Protein change: p.Thr139Arg; replaces threonine 139 with arginine.
Molecular consequence: missense variant.
Genome position (GRCh38, 1-based): chr8:133,258,400, G>C on the plus strand (C>G on the coding strand, the complement: NDRG1 is on the minus strand). VCF-style: chr8-133258400-G-C. GRCh37 (hg19) VCF-style: chr8-134270643-G-C.
Other names: c.416C>G, p.Thr139Arg (NM_001135242.2, NM_001374844.1, NM_001374845.1 and 1 more transcripts); c.218C>G, p.Thr73Arg (NM_001258432.2, NM_001374847.1); c.173C>G, p.Thr58Arg (NM_001258433.2); short protein forms T139R, T58R, T73R.
Identifiers: ClinVar variation 216636 (VCV000216636.7), dbSNP rs863224745, ClinGen allele CA337107.
Genomic context (GRCh38, chr8:133,258,400, plus strand): 5'-TTTTCAAAAAATGCCAAAGCACTCACAGCAAATCGAGTTAGGATGTAGGCGCCTGCTCCT[G>C]TTCCCATGCCAATAATGCTTTTCAGCCTGGAAGCAAAAATACAAATGCATGTCACACAAG-3'
Protein context (NP_006087.2, residues 129-149): FGLKSIIGMG[Thr139Arg]GAGAYILTRF

ClinVar aggregate classification (germline): Uncertain significance (1 of 4 stars; one submission).

Conditions:
Charcot-Marie-Tooth disease type 4. Also called: Charcot-Marie-Tooth disease, type IV; Charcot-Marie-Tooth, Type 4. Identifiers: Orphanet 64749, MedGen C4082197, MONDO:0018995.

Submission:

Labcorp Genetics (formerly Invitae), Labcorp
Classification: Uncertain significance for Charcot-Marie-Tooth disease type 4. Last evaluated: 2015-05-08. Review status: criteria provided, single submitter. Criteria: Invitae Variant Classification Sherloc (09022015). Collection method: clinical testing. Allele origin: germline.
Comment: This variant has not been published in the literature and is present in population databases (no rsID, <0.01%). In summary, this is a rare missense change with uncertain impact on protein function. Although there is no indication that this variant causes disease, the evidence is insufficient at this time to prove that conclusively. Therefore, it has been classified as a Variant of Uncertain Significance. Algorithms developed to predict the effect of missense changes on protein structure and function do not agree on the potential impact of this missense change (SIFT: "Deleterious"; PolyPhen-2: "Possibly Damaging"; Align-GVGD: "Class C0"). This sequence change replaces threonine with arginine at codon 139 of the NDRG1 protein (p.Thr139Arg). The threonine residue is moderately conserved and there is a moderate physicochemical difference between threonine and arginine.